The following is an entry in ClinVar:

ClinVar aggregate classification (germline): Uncertain significance (1 of 4 stars; one submission).

Conditions:
Cardiac arrhythmia. Also called: Arrhythmia; Cardiac rhythm disease. Identifiers: MedGen C0003811, MONDO:0007263, HP:0011675.

Submission:

Color Diagnostics, LLC DBA Color Health
Classification: Uncertain significance for Cardiac arrhythmia. Last evaluated: 2024-03-06. Review status: criteria provided, single submitter. Criteria: ACMG Guidelines, 2015. Collection method: clinical testing. Allele origin: germline.
Comment: This missense variant replaces threonine with isoleucine at codon 639 of the KCNQ1 protein. Computational prediction suggests that this variant may not impact protein structure and function (internally defined REVEL score threshold <= 0.5, PMID: 27666373). To our knowledge, functional studies have not been reported for this variant. This variant has not been reported in individuals affected with cardiovascular disorders in the literature. This variant has not been identified in the general population by the Genome Aggregation Database (gnomAD). The available evidence is insufficient to determine the role of this variant in disease conclusively. Therefore, this variant is classified as a Variant of Uncertain Significance.

NM_000218.3(KCNQ1):c.1916C>T (p.Thr639Ile)

Genes: KCNQ1-AS1 (KCNQ1 antisense RNA 1; minus strand), KCNQ1 (potassium voltage-gated channel subfamily Q member 1; plus strand). Cytogenetic location: 11p15.4.
Variant type: single nucleotide variant.
Coding change: c.1916C>T on transcript NM_000218.3 (MANE Select); coding-DNA position 1916, C replaced by T.
Protein change: p.Thr639Ile; replaces threonine 639 with isoleucine.
Molecular consequence: missense variant.
Genome position (GRCh38, 1-based): chr11:2,847,888, C>T. VCF-style: chr11-2847888-C-T. GRCh37 (hg19) VCF-style: chr11-2869118-C-T.
Other names: c.1820C>T, p.Thr607Ile (NM_001406836.1); c.1646C>T, p.Thr549Ile (NM_001406837.1); c.1376C>T, p.Thr459Ile (NM_001406838.1); c.428C>T, p.Thr143Ile (NM_001406839.1); c.1535C>T, p.Thr512Ile (NM_181798.2); short protein forms T459I, T607I, T639I, T143I, T512I, T549I.
Identifiers: ClinVar variation 2773486 (VCV002773486.2), dbSNP rs1248824762, ClinGen allele CA379140424.